The following is an entry in ClinVar:

NM_005912.3(MC4R):c.*9A>G

Gene: MC4R (melanocortin 4 receptor; minus strand). Cytogenetic location: 18q21.32.
Variant type: single nucleotide variant.
Coding change: c.*9A>G on transcript NM_005912.3 (MANE Select); 9 bases downstream of the stop codon, A replaced by G.
Molecular consequence: 3 prime UTR variant.
Genome position (GRCh38, 1-based): chr18:60,371,342, T>C on the plus strand (A>G on the coding strand, the complement: MC4R is on the minus strand). VCF-style: chr18-60371342-T-C. GRCh37 (hg19) VCF-style: chr18-58038575-T-C.
Identifiers: ClinVar variation 3358240 (VCV003358240.1).
Genomic context (GRCh38, chr18:60,371,342, plus strand): 5'-AATATTCAGGTAGGGTAAGAGTGAAAAAGTCTCTTATGCATGTTCCTATATTGCGTGCTC[T>C]GTCCCCATTTAATATCTGCTAGACAAGTCACAAAGGCCTCCCAGGGGATAGCAACAGATG-3'

ClinVar aggregate classification (germline): Likely benign (0 of 4 stars; one submission).

Conditions:
MC4R-related disorder. Also called: MC4R-related condition.

Submission:

PreventionGenetics, part of Exact Sciences
Classification: Likely benign for MC4R-related condition. Last evaluated: 2022-09-26. Review status: no assertion criteria provided. Collection method: clinical testing. Allele origin: germline.
Comment: This variant is classified as likely benign based on ACMG/AMP sequence variant interpretation guidelines (Richards et al. 2015 PMID: 25741868, with internal and published modifications).